The following is an entry in ClinVar:

NM_006073.4(TRDN):c.2014G>A (p.Glu672Lys)

Gene: TRDN (triadin; minus strand). Cytogenetic location: 6q22.31.
Variant type: single nucleotide variant.
Coding change: c.2014G>A on transcript NM_006073.4 (MANE Select); coding-DNA position 2014, G replaced by A.
Protein change: p.Glu672Lys; replaces glutamic acid 672 with lysine.
Molecular consequence: missense variant.
Genome position (GRCh38, 1-based): chr6:123,224,093, C>T on the plus strand (G>A on the coding strand, the complement: TRDN is on the minus strand). VCF-style: chr6-123224093-C-T. GRCh37 (hg19) VCF-style: chr6-123545238-C-T.
Other names: short protein forms E672K.
Identifiers: ClinVar variation 1518379 (VCV001518379.9), dbSNP rs2114505372, ClinGen allele CA365565648.

ClinVar aggregate classification (germline): Uncertain significance (1 of 4 stars; one submission).

Conditions:
Catecholaminergic polymorphic ventricular tachycardia 1. Also called: RYR2-Related Catecholaminergic Polymorphic Ventricular Tachycardia; VENTRICULAR TACHYCARDIA, STRESS-INDUCED POLYMORPHIC 1; VENTRICULAR TACHYCARDIA, CATECHOLAMINERGIC POLYMORPHIC, 1, WITH OR WITHOUT ATRIAL DYSFUNCTION AND/OR DILATED CARDIOMYOPATHY. Identifiers: Orphanet 3286, MedGen C1631597, MONDO:0011484, OMIM 604772.

gnomAD v4.1: 1 of 1,609,932 alleles (0.000062%); highest among the groups gnomAD compares: Non-Finnish European, 0.000085%; no homozygotes.

Submission:

Labcorp Genetics (formerly Invitae), Labcorp
Classification: Uncertain significance for Catecholaminergic polymorphic ventricular tachycardia 1. Last evaluated: 2022-09-13. Review status: criteria provided, single submitter. Criteria: Invitae Variant Classification Sherloc (09022015). Collection method: clinical testing. Allele origin: germline.
Comment: Algorithms developed to predict the effect of missense changes on protein structure and function are either unavailable or do not agree on the potential impact of this missense change (SIFT: "Deleterious"; PolyPhen-2: "Benign"; Align-GVGD: "Class C0"). Variants that disrupt the consensus splice site are a relatively common cause of aberrant splicing (PMID: 17576681, 9536098). Algorithms developed to predict the effect of sequence changes on RNA splicing suggest that this variant may disrupt the consensus splice site. In summary, the available evidence is currently insufficient to determine the role of this variant in disease. Therefore, it has been classified as a Variant of Uncertain Significance. ClinVar contains an entry for this variant (Variation ID: 1518379). This variant has not been reported in the literature in individuals affected with TRDN-related conditions. This variant is not present in population databases (gnomAD no frequency). This sequence change replaces glutamic acid, which is acidic and polar, with lysine, which is basic and polar, at codon 672 of the TRDN protein (p.Glu672Lys). This variant also falls at the last nucleotide of exon 39, which is part of the consensus splice site for this exon.

Literature cited by the submitters: PubMed 17576681; PubMed 9536098.